The following is an entry in ClinVar:

ClinVar aggregate classification (germline): Uncertain significance (1 of 4 stars; one submission).

Submission:

Labcorp Genetics (formerly Invitae), Labcorp
Classification: Uncertain significance. Last evaluated: 2022-03-17. Review status: criteria provided, single submitter. Criteria: Invitae Variant Classification Sherloc (09022015). Collection method: clinical testing. Allele origin: germline.
Comment: This variant is not present in population databases (gnomAD no frequency). This sequence change replaces glutamic acid, which is acidic and polar, with aspartic acid, which is acidic and polar, at codon 1122 of the MYH3 protein (p.Glu1122Asp). This variant has not been reported in the literature in individuals affected with MYH3-related conditions. In summary, the available evidence is currently insufficient to determine the role of this variant in disease. Therefore, it has been classified as a Variant of Uncertain Significance. Algorithms developed to predict the effect of missense changes on protein structure and function (SIFT, PolyPhen-2, Align-GVGD) all suggest that this variant is likely to be disruptive.

NM_002470.4(MYH3):c.3366G>T (p.Glu1122Asp)

Gene: MYH3 (myosin heavy chain 3; minus strand). Cytogenetic location: 17p13.1.
Variant type: single nucleotide variant.
Coding change: c.3366G>T on transcript NM_002470.4 (MANE Select); coding-DNA position 3366, G replaced by T.
Protein change: p.Glu1122Asp; replaces glutamic acid 1122 with aspartic acid.
Molecular consequence: missense variant.
Genome position (GRCh38, 1-based): chr17:10,638,406, C>A on the plus strand (G>T on the coding strand, the complement: MYH3 is on the minus strand). VCF-style: chr17-10638406-C-A. GRCh37 (hg19) VCF-style: chr17-10541723-C-A.
Other names: short protein forms E1122D.
Identifiers: ClinVar variation 2112878 (VCV002112878.4), dbSNP rs1250249319, ClinGen allele CA398152678.